The following is an entry in ClinVar:

NM_000169.3(GLA):c.283T>G (p.Trp95Gly)

Genes: GLA (galactosidase alpha; minus strand), RPL36A-HNRNPH2 (RPL36A-HNRNPH2 readthrough; plus strand). Cytogenetic location: Xq22.1.
Variant type: single nucleotide variant.
Coding change: c.283T>G on transcript NM_000169.3 (MANE Select); coding-DNA position 283, T replaced by G.
Protein change: p.Trp95Gly; replaces tryptophan 95 with glycine.
Molecular consequence: missense variant. On other transcripts: non-coding transcript variant (3), intron variant (2).
Genome position (GRCh38, 1-based): chrX:101,403,897, A>C on the plus strand (T>G on the coding strand, the complement: GLA is on the minus strand). VCF-style: chrX-101403897-A-C. GRCh37 (hg19) VCF-style: chrX-100658885-A-C.
Other names: c.406T>G, p.Trp136Gly (NM_001406747.1, NM_001406749.1); c.283T>G, p.Trp95Gly (NM_001406748.1); c.301-8039A>C (NM_001199973.2); c.178-8039A>C (NM_001199974.2); short protein forms W136G, W95G.
Identifiers: ClinVar variation 4087328 (VCV004087328.2).

ClinVar aggregate classification (germline): Likely pathogenic (1 of 4 stars; one submission).

Conditions:
Fabry disease. Also called: ALPHA-GALACTOSIDASE A DEFICIENCY; ANDERSON-FABRY DISEASE; CERAMIDE TRIHEXOSIDASE DEFICIENCY; GLA DEFICIENCY; HEREDITARY DYSTOPIC LIPIDOSIS; Angiokeratoma corporis diffusum. Identifiers: Orphanet 324, MedGen C0002986, MONDO:0010526, OMIM 301500, HP:0001071. Disease mechanism: Fabry disease is due to inactivating mutations in the X-linked GLA gene resulting in deficiency of the enzyme Alpha Galactosidase-A., loss of function.

Submission:

Genomenon, Inc
Classification: Likely pathogenic for Fabry disease. Last evaluated: 2026-09-08. Review status: criteria provided, single submitter. Criteria: Genomenon Sequence Variant Interpretation Standards - Updated. Collection method: curation. Allele origin: germline. Affected: yes.
Comment: GLA p.Trp95Gly (c.283T>G) is a missense variant that changes the amino acid at codon 95 from Tryptophan to Glycine. This variant has been observed in at least one proband with clinical features consistent with Fabry disease (PMID:25865499). This variant is located in a mutational hotspot and/or important functional domain. It is absent or not present at a significant frequency in gnomAD. In silico models predict that this variant is possibly or probably damaging. In conclusion, we classify GLA p.Trp95Gly (c.283T>G) as a likely pathogenic variant.

Literature cited by the submitters: PubMed 25865499.